The following is an entry in ClinVar:

NM_001182.5(ALDH7A1):c.871+14T>A

Gene: ALDH7A1 (aldehyde dehydrogenase 7 family member A1; minus strand). Cytogenetic location: 5q23.2.
Variant type: single nucleotide variant.
Coding change: c.871+14T>A on transcript NM_001182.5 (MANE Select); 14 bases into the intron after coding-DNA position 871, T replaced by A.
Molecular consequence: intron variant.
Genome position (GRCh38, 1-based): chr5:126,568,245, A>T on the plus strand (T>A on the coding strand, the complement: ALDH7A1 is on the minus strand). VCF-style: chr5-126568245-A-T. GRCh37 (hg19) VCF-style: chr5-125903937-A-T.
Other names: c.871+14T>A (NM_001202404.2); c.787+14T>A (NM_001201377.2).
Identifiers: ClinVar variation 509266 (VCV000509266.3), dbSNP rs1554099737, ClinGen allele CA658796622.
Genomic context (GRCh38, chr5:126,568,245, plus strand): 5'-ACAAAAACTCAACTTTTAGATTTCACCTCCATATTTGAGAGAATTAAAATCCTCATTAGA[A>T]AGCCAACACTTACCAAACCTCTCCTGCACCATCAGGCCCACCTGTTTTCCCACCTGAGTG-3'

ClinVar aggregate classification (germline): Likely benign. Review status: criteria provided, multiple submitters, no conflicts (2 of 4 stars). 2 submissions from 2 submitters: Likely benign (2). Last evaluated 2024-05-02.

Conditions:
Pyridoxine-dependent epilepsy (EPEO4). Also called: Pyridoxine-Dependent Seizures; PYRIDOXINE DEPENDENCY WITH SEIZURES; EPILEPSY, EARLY-ONSET, 4, VITAMIN B6-DEPENDENT; Pyridoxine-Dependent Epilepsy - ALDH7A1. Identifiers: Orphanet 3006, MedGen C1849508, MONDO:0009945, OMIM 266100. Disease mechanism: loss of function.

Allele frequency attached by ClinVar (database versions not stated): gnomAD exomes below 0.00001.
gnomAD v4.1: 1 of 1,613,448 alleles (0.000062%); highest among the groups gnomAD compares: Non-Finnish European, 0.000085%; no homozygotes.

Submissions (2):

Labcorp Genetics (formerly Invitae), Labcorp
Classification: Likely benign for Pyridoxine-dependent epilepsy. Last evaluated: 2024-05-02. Review status: criteria provided, single submitter. Criteria: Invitae Variant Classification Sherloc (09022015). Collection method: clinical testing. Allele origin: germline.

GeneDx
Classification: Likely benign. Last evaluated: 2017-04-28. Review status: criteria provided, single submitter. Criteria: GeneDx Variant Classification (06012015). Collection method: clinical testing. Allele origin: germline. Affected: yes.
Comment: This variant is considered likely benign or benign based on one or more of the following criteria: it is a conservative change, it occurs at a poorly conserved position in the protein, it is predicted to be benign by multiple in silico algorithms, and/or has population frequency not consistent with disease.